The following is an entry in ClinVar:

NM_000218.3(KCNQ1):c.1393+24215A>G

Genes: KCNQ1 (potassium voltage-gated channel subfamily Q member 1; plus strand), KCNQ1OT1 (KCNQ1 opposite strand/antisense transcript 1; minus strand). Cytogenetic location: 11p15.5.
Variant type: single nucleotide variant.
Coding change: c.1393+24215A>G on transcript NM_000218.3 (MANE Select); 24215 bases into the intron after coding-DNA position 1393, A replaced by G.
Molecular consequence: intron variant.
Genome position (GRCh38, 1-based): chr11:2,613,069, A>G. VCF-style: chr11-2613069-A-G. GRCh37 (hg19) VCF-style: chr11-2634299-A-G.
Other names: c.1123+24215A>G (NM_001406837.1); c.1297+24215A>G (NM_001406836.1); c.853+24215A>G (NM_001406838.1); c.1012+24215A>G (NM_181798.2).
Identifiers: ClinVar variation 1879156 (VCV001879156.29), dbSNP rs534542333, ClinGen allele CA216358038.

ClinVar aggregate classification (germline): Benign (1 of 4 stars; one submission).

Allele frequency attached by ClinVar (database versions not stated): 1000 Genomes Project 0.00020; 1000 Genomes Project 30x 0.00031; TOPMed 0.00059; gnomAD 0.00101; gnomAD exomes 0.00121.
gnomAD v4.1: 451 of 398,552 alleles (0.11%); highest among the groups gnomAD compares: Non-Finnish European, 0.083%; no homozygotes.

Submission:

CeGaT Center for Human Genetics Tuebingen
Classification: Benign. Last evaluated: 2026-06-01. Review status: criteria provided, single submitter. Criteria: CeGaT Center For Human Genetics Tuebingen Variant Classification Criteria Version 2. Collection method: clinical testing. Allele origin: germline. Affected: yes. Observed: 15 variant alleles.
Comment: KCNQ1OT1: BS1, BS2